The following is an entry in ClinVar:

ClinVar aggregate classification (germline): Likely benign (1 of 4 stars; one submission).

Allele frequency attached by ClinVar (database versions not stated): gnomAD 0.01257 and 0.01333; TOPMed 0.01490; 1000 Genomes Project 0.01498; 1000 Genomes Project 30x 0.01546.
gnomAD v4.1: 1,897 of 152,330 alleles (1.2%); highest among the groups gnomAD compares: African/African-American, 4.1%; 41 homozygotes.

Submission:

GeneDx
Classification: Likely benign. Last evaluated: 2018-06-16. Review status: criteria provided, single submitter. Criteria: GeneDx Variant Classification (06012015). Collection method: clinical testing. Allele origin: germline. Affected: yes.
Comment: This variant is considered likely benign or benign based on one or more of the following criteria: it is a conservative change, it occurs at a poorly conserved position in the protein, it is predicted to be benign by multiple in silico algorithms, and/or has population frequency not consistent with disease.

NM_000183.3(HADHB):c.934-269T>G

Gene: HADHB (hydroxyacyl-CoA dehydrogenase trifunctional multienzyme complex subunit beta; plus strand). Cytogenetic location: 2p23.3.
Variant type: single nucleotide variant.
Coding change: c.934-269T>G on transcript NM_000183.3 (MANE Select); 269 bases into the intron before coding-DNA position 934, T replaced by G.
Molecular consequence: intron variant.
Genome position (GRCh38, 1-based): chr2:26,282,576, T>G. VCF-style: chr2-26282576-T-G. GRCh37 (hg19) VCF-style: chr2-26505444-T-G.
Other names: c.868-269T>G (NM_001281513.2); c.889-269T>G (NM_001281512.2).
Identifiers: ClinVar variation 668558 (VCV000668558.1), dbSNP rs77757740, ClinGen allele CA44339598.